The following is an entry in ClinVar:

NM_001128159.3(VPS53):c.88-6A>G

Gene: VPS53 (VPS53 subunit of GARP complex; minus strand). Cytogenetic location: 17p13.3.
Variant type: single nucleotide variant.
Coding change: c.88-6A>G on transcript NM_001128159.3 (MANE Select); 6 bases into the intron before coding-DNA position 88, A replaced by G.
Molecular consequence: intron variant.
Genome position (GRCh38, 1-based): chr17:710,619, T>C on the plus strand (A>G on the coding strand, the complement: VPS53 is on the minus strand). VCF-style: chr17-710619-T-C. GRCh37 (hg19) VCF-style: chr17-613859-T-C.
Other names: c.88-6A>G (NM_018289.4, NM_001366253.2); c.-605-6A>G (NM_001366254.2).
Identifiers: ClinVar variation 2230133 (VCV002230133.5), dbSNP rs368948099, ClinGen allele CA8261874.
Genomic context (GRCh38, chr17:710,619, plus strand): 5'-TATACTCAACAGCATTGAAATCTGCTCGATCTAGAGGGTCCTGGCTTGGAAACACCTATA[T>C]AGAAAGAGAGGAGTATATATAAAAACATGTAGTATACCGTAAATATATATAATTTTAATT-3'

ClinVar aggregate classification (germline): Conflicting classifications of pathogenicity. Review status: criteria provided, conflicting classifications (1 of 4 stars). 2 submissions from 2 submitters: Uncertain significance (1); Likely benign (1). Last evaluated 2023-11-04.

Conditions:
Inborn genetic diseases. Identifiers: MedGen C0950123, MeSH D030342.

Allele frequency attached by ClinVar (database versions not stated): gnomAD exomes 0.00001; TOPMed 0.00001; ExAC 0.00005; gnomAD 0.00005; ESP Exome Variant Server 0.00008; 1000 Genomes Project 30x 0.00016; 1000 Genomes Project 0.00020.
gnomAD v4.1: 25 of 1,600,392 alleles (0.0016%); highest among the groups gnomAD compares: East Asian, 0.0067%; no homozygotes.

Submissions (2):

Labcorp Genetics (formerly Invitae), Labcorp
Classification: Likely benign. Last evaluated: 2023-11-04. Review status: criteria provided, single submitter. Criteria: Invitae Variant Classification Sherloc (09022015). Collection method: clinical testing. Allele origin: germline.

Ambry Genetics
Classification: Uncertain significance for Inborn genetic diseases. Last evaluated: 2021-04-13. Review status: criteria provided, single submitter. Criteria: Ambry Variant Classification Scheme 2023. Collection method: clinical testing. Allele origin: germline.
Comment: The c.88-6A>G intronic alteration consists of a A to G substitution 6 nucleotides before exon 2 (coding exon 2) of the VPS53 gene. Based on insufficient or conflicting evidence, the clinical significance of this alteration remains unclear.